The following is an entry in ClinVar:

NM_004725.4(BUB3):c.764A>T (p.Asp255Val)

Gene: BUB3 (BUB3 mitotic checkpoint protein; plus strand). Cytogenetic location: 10q26.13.
Variant type: single nucleotide variant.
Coding change: c.764A>T on transcript NM_004725.4 (MANE Select); coding-DNA position 764, A replaced by T.
Protein change: p.Asp255Val; replaces aspartic acid 255 with valine.
Molecular consequence: missense variant.
Genome position (GRCh38, 1-based): chr10:123,162,621, A>T. VCF-style: chr10-123162621-A-T. GRCh37 (hg19) VCF-style: chr10-124922137-A-T.
Other names: c.764A>T, p.Asp255Val (NM_001007793.3); short protein forms D255V.
Identifiers: ClinVar variation 1759968 (VCV001759968.2), dbSNP rs2493766715, ClinGen allele CA378626860.

ClinVar aggregate classification (germline): Uncertain significance (1 of 4 stars; one submission).

Submission:

Ambry Genetics
Classification: Uncertain significance. Last evaluated: 2021-12-20. Review status: criteria provided, single submitter. Criteria: Ambry Variant Classification Scheme 2023. Collection method: clinical testing. Allele origin: germline.
Comment: The p.D255V variant (also known as c.764A>T), located in coding exon 6 of the BUB3 gene, results from an A to T substitution at nucleotide position 764. The aspartic acid at codon 255 is replaced by valine, an amino acid with highly dissimilar properties. This amino acid position is conserved. In addition, this alteration is predicted to be deleterious by in silico analysis. Since supporting evidence is limited at this time, the clinical significance of this alteration remains unclear.